The following is an entry in ClinVar:

ClinVar aggregate classification (germline): Uncertain significance (1 of 4 stars; one submission).

Conditions:
Progressive familial heart block type IB (PFHB1B). Identifiers: Orphanet 871, MedGen C1970298, MONDO:0011474, OMIM 604559.

Allele frequency attached by ClinVar (database versions not stated): gnomAD exomes below 0.00001.

Submission:

Labcorp Genetics (formerly Invitae), Labcorp
Classification: Uncertain significance for Progressive familial heart block type IB. Last evaluated: 2022-12-05. Review status: criteria provided, single submitter. Criteria: Invitae Variant Classification Sherloc (09022015). Collection method: clinical testing. Allele origin: germline.
Comment: This variant is not present in population databases (gnomAD no frequency). This sequence change replaces arginine, which is basic and polar, with cysteine, which is neutral and slightly polar, at codon 39 of the TRPM4 protein (p.Arg39Cys). This variant has not been reported in the literature in individuals affected with TRPM4-related conditions. In summary, the available evidence is currently insufficient to determine the role of this variant in disease. Therefore, it has been classified as a Variant of Uncertain Significance. Algorithms developed to predict the effect of missense changes on protein structure and function output the following: SIFT: "Deleterious"; PolyPhen-2: "Benign"; Align-GVGD: "Class C0". The cysteine amino acid residue is found in multiple mammalian species, which suggests that this missense change does not adversely affect protein function.

NM_017636.4(TRPM4):c.115C>T (p.Arg39Cys)

Gene: TRPM4 (transient receptor potential cation channel subfamily M member 4; plus strand). Cytogenetic location: 19q13.33.
Variant type: single nucleotide variant.
Coding change: c.115C>T on transcript NM_017636.4 (MANE Select); coding-DNA position 115, C replaced by T.
Protein change: p.Arg39Cys; replaces arginine 39 with cysteine.
Molecular consequence: missense variant. On other transcripts: 5 prime UTR variant (1), intron variant (2).
Genome position (GRCh38, 1-based): chr19:49,166,063, C>T. VCF-style: chr19-49166063-C-T. GRCh37 (hg19) VCF-style: chr19-49669320-C-T.
Other names: c.115C>T, p.Arg39Cys (NM_001195227.2, NM_001321281.2); c.-1258C>T (NM_001321282.2); c.-74-2197C>T (NM_001321283.2); c.-237-2490C>T (NM_001321285.2); short protein forms R39C.
Identifiers: ClinVar variation 2996004 (VCV002996004.3), dbSNP rs865920466, ClinGen allele CA309429451.